The following is an entry in ClinVar:

NM_014264.5(PLK4):c.668T>C (p.Val223Ala)

Gene: PLK4 (polo like kinase 4; plus strand). Cytogenetic location: 4q28.1.
Variant type: single nucleotide variant.
Coding change: c.668T>C on transcript NM_014264.5 (MANE Select); coding-DNA position 668, T replaced by C.
Protein change: p.Val223Ala; replaces valine 223 with alanine.
Molecular consequence: missense variant.
Genome position (GRCh38, 1-based): chr4:127,886,038, T>C. VCF-style: chr4-127886038-T-C. GRCh37 (hg19) VCF-style: chr4-128807193-T-C.
Other names: c.572T>C, p.Val191Ala (NM_001190799.2); c.545T>C, p.Val182Ala (NM_001190801.2); short protein forms V191A, V223A, V182A.
Identifiers: ClinVar variation 2801821 (VCV002801821.3), dbSNP rs2148817787, ClinGen allele CA358149217.
Genomic context (GRCh38, chr4:127,886,038, plus strand): 5'-CATTACTTATCGGGAGACCACCCTTCGACACTGACACAGTCAAGAACACATTAAATAAAG[T>C]AGTATTGGCAGATTATGAAATGCCATCTTTTTTGTCAATAGAGGCCAAGGACCTTATTCA-3'
Protein context (NP_055079.3, residues 213-233): TDTVKNTLNK[Val223Ala]VLADYEMPSF

ClinVar aggregate classification (germline): Uncertain significance (1 of 4 stars; one submission).

Allele frequency attached by ClinVar (database versions not stated): gnomAD 0.00001.
gnomAD v4.1: 2 of 1,613,806 alleles (0.00012%); highest among the groups gnomAD compares: East Asian, 0.0022%; no homozygotes.

Submission:

Labcorp Genetics (formerly Invitae), Labcorp
Classification: Uncertain significance. Last evaluated: 2022-12-28. Review status: criteria provided, single submitter. Criteria: Invitae Variant Classification Sherloc (09022015). Collection method: clinical testing. Allele origin: germline.
Comment: In summary, the available evidence is currently insufficient to determine the role of this variant in disease. Therefore, it has been classified as a Variant of Uncertain Significance. Algorithms developed to predict the effect of missense changes on protein structure and function (SIFT, PolyPhen-2, Align-GVGD) all suggest that this variant is likely to be disruptive. This variant has not been reported in the literature in individuals affected with PLK4-related conditions. This variant is not present in population databases (gnomAD no frequency). This sequence change replaces valine, which is neutral and non-polar, with alanine, which is neutral and non-polar, at codon 223 of the PLK4 protein (p.Val223Ala).